The following is an entry in ClinVar:

ClinVar aggregate classification (germline): Uncertain significance (1 of 4 stars; one submission).

Submission:

Labcorp Genetics (formerly Invitae), Labcorp
Classification: Uncertain significance. Last evaluated: 2022-07-05. Review status: criteria provided, single submitter. Criteria: Invitae Variant Classification Sherloc (09022015). Collection method: clinical testing. Allele origin: germline.
Comment: This sequence change replaces methionine, which is neutral and non-polar, with lysine, which is basic and polar, at codon 137 of the SLC6A19 protein (p.Met137Lys). This variant is not present in population databases (gnomAD no frequency). This variant has not been reported in the literature in individuals affected with SLC6A19-related conditions. ClinVar contains an entry for this variant (Variation ID: 1469129). Algorithms developed to predict the effect of missense changes on protein structure and function are either unavailable or do not agree on the potential impact of this missense change (SIFT: "Deleterious"; PolyPhen-2: "Benign"; Align-GVGD: "Class C0"). Algorithms developed to predict the effect of sequence changes on RNA splicing suggest that this variant may create or strengthen a splice site. In summary, the available evidence is currently insufficient to determine the role of this variant in disease. Therefore, it has been classified as a Variant of Uncertain Significance.

NM_001003841.3(SLC6A19):c.410T>A (p.Met137Lys)

Gene: SLC6A19 (solute carrier family 6 member 19; plus strand). Cytogenetic location: 5p15.33.
Variant type: single nucleotide variant.
Coding change: c.410T>A on transcript NM_001003841.3 (MANE Select); coding-DNA position 410, T replaced by A.
Protein change: p.Met137Lys; replaces methionine 137 with lysine.
Molecular consequence: missense variant.
Genome position (GRCh38, 1-based): chr5:1,210,510, T>A. VCF-style: chr5-1210510-T-A. GRCh37 (hg19) VCF-style: chr5-1210625-T-A.
Other names: short protein forms M137K.
Identifiers: ClinVar variation 1469129 (VCV001469129.5), dbSNP rs752055539, ClinGen allele CA359065053.